The following is an entry in ClinVar:

ClinVar aggregate classification (germline): Uncertain significance. Review status: criteria provided, multiple submitters, no conflicts (2 of 4 stars). 2 submissions from 2 submitters: Uncertain significance (2). Last evaluated 2021-03-12.

Conditions:
Familial cold autoinflammatory syndrome 2 (FCAS2). Identifiers: Orphanet 247868, MedGen C2673198, MONDO:0012724, OMIM 611762.

Allele frequency attached by ClinVar (database versions not stated): gnomAD exomes below 0.00001; TOPMed below 0.00001; ExAC 0.00001; gnomAD 0.00002.
gnomAD v4.1: 20 of 1,614,006 alleles (0.0012%); highest among the groups gnomAD compares: Non-Finnish European, 0.0015%; no homozygotes.

Submissions (2):

Blueprint Genetics
Classification: Uncertain significance. Last evaluated: 2021-03-12. Review status: criteria provided, single submitter. Criteria: ACMG Guidelines, 2015. Collection method: clinical testing. Allele origin: germline.

Labcorp Genetics (formerly Invitae), Labcorp
Classification: Uncertain significance for Familial cold autoinflammatory syndrome 2. Last evaluated: 2018-05-09. Review status: criteria provided, single submitter. Criteria: Invitae Variant Classification Sherloc (09022015). Collection method: clinical testing. Allele origin: germline.
Comment: In summary, the available evidence is currently insufficient to determine the role of this variant in disease. Therefore, it has been classified as a Variant of Uncertain Significance. Algorithms developed to predict the effect of missense changes on protein structure and function output the following: SIFT: "Deleterious"; PolyPhen-2: "Benign"; Align-GVGD: "Class C55". The lysine amino acid residue is found in multiple mammalian species, suggesting that this missense change does not adversely affect protein function. These predictions have not been confirmed by published functional studies and their clinical significance is uncertain. This sequence change replaces glutamic acid with lysine at codon 569 of the NLRP12 protein (p.Glu569Lys). The glutamic acid residue is highly conserved and there is a small physicochemical difference between glutamic acid and lysine. This variant is present in population databases (rs753099958, ExAC 0.002%). This variant has not been reported in the literature in individuals with NLRP12-related disease.

NM_144687.4(NLRP12):c.1705G>A (p.Glu569Lys)

Gene: NLRP12 (NLR family pyrin domain containing 12; minus strand). Cytogenetic location: 19q13.42.
Variant type: single nucleotide variant.
Coding change: c.1705G>A on transcript NM_144687.4 (MANE Select); coding-DNA position 1705, G replaced by A.
Protein change: p.Glu569Lys; replaces glutamic acid 569 with lysine.
Molecular consequence: missense variant.
Genome position (GRCh38, 1-based): chr19:53,809,954, C>T on the plus strand (G>A on the coding strand, the complement: NLRP12 is on the minus strand). VCF-style: chr19-53809954-C-T. GRCh37 (hg19) VCF-style: chr19-54313208-C-T.
Other names: c.1705G>A, p.Glu569Lys (NM_001277126.2, NM_001277129.1); short protein forms E569K.
Identifiers: ClinVar variation 567624 (VCV000567624.9), dbSNP rs753099958, ClinGen allele CA9639370.